The following is an entry in ClinVar:

ClinVar aggregate classification (germline): Uncertain significance (1 of 4 stars; one submission).

Submission:

Medical Genetic Center, Changzhi Maternal and Child Health Care Hospital
Classification: Uncertain significance. Last evaluated: 2025-12-10. Review status: criteria provided, single submitter. Criteria: ACMG/ClinGen CNV Guidelines, 2019. Collection method: clinical testing. Allele origin: unknown.
Comment: 1A, CDC73 partial duplication (NM_024529.5, exon 11-17)

GRCh38/hg38 1q31.2(chr1:193166251-193270611)x3

Genes: B3GALT2 (beta-1,3-galactosyltransferase 2; minus strand), CDC73 (cell division cycle 73; plus strand), LOC129932147 (ATAC-STARR-seq lymphoblastoid active region 2269; plus strand). Cytogenetic location: 1q31.2.
Variant type: copy number gain.
Change: copy number 3 (three copies instead of two) of chr1:193,166,251-193,270,611 (104.4 kb, GRCh38 coordinates, 1-based), cytogenetic band 1q31.2.
Identifiers: ClinVar variation 4796454 (VCV004796454.1).